The following is an entry in ClinVar:

ClinVar aggregate classification (germline): Uncertain significance (1 of 4 stars; one submission).

gnomAD v4.1: 1 of 1,605,774 alleles (0.000062%); highest among the groups gnomAD compares: Non-Finnish European, 0.000085%; no homozygotes.

Submission:

GeneDx
Classification: Uncertain significance. Last evaluated: 2023-07-02. Review status: criteria provided, single submitter. Criteria: GeneDx Variant Classification Process June 2021. Collection method: clinical testing. Allele origin: germline. Affected: yes.
Comment: Not observed at significant frequency in large population cohorts (gnomAD); In silico analysis supports that this missense variant has a deleterious effect on protein structure/function; Has not been previously published as pathogenic or benign to our knowledge

NM_000836.4(GRIN2D):c.1840C>A (p.Arg614Ser)

Gene: GRIN2D (glutamate ionotropic receptor NMDA type subunit 2D; plus strand). Cytogenetic location: 19q13.33.
Variant type: single nucleotide variant.
Coding change: c.1840C>A on transcript NM_000836.4 (MANE Select); coding-DNA position 1840, C replaced by A.
Protein change: p.Arg614Ser; replaces arginine 614 with serine.
Molecular consequence: missense variant.
Genome position (GRCh38, 1-based): chr19:48,419,338, C>A. VCF-style: chr19-48419338-C-A. GRCh37 (hg19) VCF-style: chr19-48922595-C-A.
Other names: short protein forms R614S.
Identifiers: ClinVar variation 3360791 (VCV003360791.1).